The following is an entry in ClinVar:

NM_001145026.2(PTPRQ):c.201C>T (p.Val67=)

Gene: PTPRQ (protein tyrosine phosphatase receptor type Q; plus strand). Cytogenetic location: 12q21.31.
Variant type: single nucleotide variant.
Coding change: c.201C>T on transcript NM_001145026.2 (MANE Select); coding-DNA position 201, C replaced by T.
Protein change: p.Val67=; no amino-acid change (valine 67 retained).
Molecular consequence: synonymous variant.
Genome position (GRCh38, 1-based): chr12:80,445,528, C>T. VCF-style: chr12-80445528-C-T. GRCh37 (hg19) VCF-style: chr12-80839308-C-T.
Identifiers: ClinVar variation 1212275 (VCV001212275.8), dbSNP rs187435968, ClinGen allele CA6702303.

ClinVar aggregate classification (germline): Likely benign. Review status: criteria provided, multiple submitters, no conflicts (2 of 4 stars). 4 submissions from 4 submitters: Likely benign (4). Last evaluated 2026-08-01.

Allele frequency attached by ClinVar (database versions not stated): gnomAD exomes 0.00022 and 0.00045; ExAC 0.00093; ESP Exome Variant Server 0.00219; gnomAD 0.00220 and 0.00237; TOPMed 0.00246; 1000 Genomes Project 30x 0.00265; 1000 Genomes Project 0.00280.

Submissions (4):

CeGaT Center for Human Genetics Tuebingen
Classification: Likely benign. Last evaluated: 2026-08-01. Review status: criteria provided, single submitter. Criteria: CeGaT Center For Human Genetics Tuebingen Variant Classification Criteria Version 2. Collection method: clinical testing. Allele origin: germline. Affected: yes. Observed: 1 variant allele.
Comment: PTPRQ: BP4, BP7

Blueprint Genetics
Classification: Likely benign. Last evaluated: 2024-10-08. Review status: criteria provided, single submitter. Criteria: ACMG Guidelines, 2015. Collection method: clinical testing. Allele origin: germline.

GeneDx
Classification: Likely benign. Last evaluated: 2022-01-31. Review status: criteria provided, single submitter. Criteria: GeneDx Variant Classification Process June 2021. Collection method: clinical testing. Allele origin: germline. Affected: yes.

Breakthrough Genomics
Classification: Likely benign. Review status: criteria provided, single submitter. Criteria: ACMG Guidelines, 2015. Collection method: not provided. Allele origin: germline. Inheritance: Autosomal recessive inheritance. Affected: yes.